The following is an entry in ClinVar:

NM_173076.3(ABCA12):c.7093G>A (p.Asp2365Asn)

Genes: ABCA12 (ATP binding cassette subfamily A member 12; minus strand), SNHG31 (small nucleolar RNA host gene 31; plus strand). Cytogenetic location: 2q35.
Variant type: single nucleotide variant.
Coding change: c.7093G>A on transcript NM_173076.3 (MANE Select); coding-DNA position 7093, G replaced by A.
Protein change: p.Asp2365Asn; replaces aspartic acid 2365 with asparagine.
Molecular consequence: missense variant. On other transcripts: non-coding transcript variant (1).
Genome position (GRCh38, 1-based): chr2:214,948,607, C>T on the plus strand (G>A on the coding strand, the complement: ABCA12 is on the minus strand). VCF-style: chr2-214948607-C-T. GRCh37 (hg19) VCF-style: chr2-215813331-C-T.
Other names: D2363N; c.6139G>A, p.Asp2047Asn (NM_015657.4); short protein forms D2047N, D2365N.
Identifiers: ClinVar variation 2861 (VCV000002861.44), dbSNP rs726070, ClinGen allele CA252481.
Genomic context (GRCh38, chr2:214,948,607, plus strand): 5'-AGAAACAATAATGGTTTCAAATTAAGTAATTTTTCACACTTGTACTCACTTCTTTAATAT[C>T]CTTTTCTGGAATTCCATGTACCCTGGCATAGAAATACAAATGTTCTTCCACAGTTACCAG-3'
Protein context (NP_775099.2, residues 2355-2375): YARVHGIPEK[Asp2365Asn]IKETVHKLLR

ClinVar aggregate classification (germline): Benign/Likely benign. Review status: criteria provided, multiple submitters, no conflicts (2 of 4 stars). 10 submissions from 10 submitters: Benign (6); Likely benign (3). 1 of the submissions does not count toward it. Last evaluated 2026-09-01.

Conditions:
Autosomal recessive congenital ichthyosis 4B (ARCI4B). Also called: HARLEQUIN ICHTHYOSIS; Ichthyosis, congenital, autosomal recessive 4B (harlequin); ICHTHYOSIS CONGENITA, HARLEQUIN FETUS TYPE; Harlequin Fetus. Identifiers: Orphanet 457, MedGen C0598226, MONDO:0009443, OMIM 242500.
Autosomal recessive congenital ichthyosis 4A (LI2). Also called: ICHTHYOSIS CONGENITA IIB. Identifiers: Orphanet 313, MedGen C1832550, MONDO:0011026, OMIM 601277.
Congenital ichthyosis of skin. Identifiers: MedGen C0020758.

Allele frequency attached by ClinVar (database versions not stated): gnomAD 0.02279 and 0.02339; ExAC 0.02778; gnomAD exomes 0.02868 and 0.02795; 1000 Genomes Project 30x 0.01187; 1000 Genomes Project 0.01238; TOPMed 0.01707.
gnomAD v4.1: 45,005 of 1,613,738 alleles (2.8%); highest among the groups gnomAD compares: Non-Finnish European, 3%; 802 homozygotes.

Submissions (10):

CeGaT Center for Human Genetics Tuebingen
Classification: Benign. Last evaluated: 2026-09-01. Review status: criteria provided, single submitter. Criteria: CeGaT Center For Human Genetics Tuebingen Variant Classification Criteria Version 2. Collection method: clinical testing. Allele origin: germline. Affected: yes. Observed: 12 variant alleles.
Comment: SNHG31: BS1, BS2; ABCA12: BP4, BS1, BS2

Labcorp Genetics (formerly Invitae), Labcorp
Classification: Benign. Last evaluated: 2026-02-04. Review status: criteria provided, single submitter. Criteria: Invitae Variant Classification Sherloc (09022015). Collection method: clinical testing. Allele origin: germline.

Department of Pathology and Laboratory Medicine, Sinai Health System
Classification: Benign for autosomal recessive congenital ichthyosis 4B. Last evaluated: 2023-04-24. Review status: criteria provided, single submitter. Criteria: ACMG Guidelines, 2015. Collection method: research. Allele origin: germline.

Women's Health and Genetics/Laboratory Corporation of America, LabCorp
Classification: Likely benign. Last evaluated: 2021-12-10. Review status: criteria provided, single submitter. Criteria: LabCorp Variant Classification Summary - May 2015. Collection method: clinical testing. Allele origin: germline.

Fulgent Genetics
Classification: Likely benign for Autosomal recessive congenital ichthyosis 4B; Autosomal recessive congenital ichthyosis 4A. Last evaluated: 2021-10-22. Review status: criteria provided, single submitter. Criteria: ACMG Guidelines, 2015. Collection method: clinical testing. Allele origin: unknown.

Mendelics
Classification: Benign for Autosomal recessive congenital ichthyosis 4B. Last evaluated: 2019-05-28. Review status: criteria provided, single submitter. Criteria: Mendelics Assertion Criteria 2017. Collection method: clinical testing. Allele origin: unknown.

Illumina Laboratory Services, Illumina
Classification: Benign for Congenital ichthyosis of skin. Last evaluated: 2018-03-06. Review status: criteria provided, single submitter. Criteria: ICSL Variant Classification Criteria 13 December 2019. Collection method: clinical testing. Allele origin: germline.
Comment: This variant was observed in the ICSL laboratory as part of a predisposition screen in an ostensibly healthy population. It had not been previously curated by ICSL or reported in the Human Gene Mutation Database (HGMD: prior to June 1st, 2018), and was therefore a candidate for classification through an automated scoring system. Utilizing variant allele frequency, disease prevalence and penetrance estimates, and inheritance mode, an automated score was calculated to assess if this variant is too frequent to cause the disease. Based on the score and internal cut-off values, a variant classified as benign is not then subjected to further curation. The score for this variant resulted in a classification of benign for this disease.

Breakthrough Genomics
Classification: Likely benign. Review status: criteria provided, single submitter. Criteria: ACMG Guidelines, 2015. Collection method: not provided. Allele origin: germline. Inheritance: Autosomal recessive inheritance. Affected: yes.

PreventionGenetics, part of Exact Sciences
Classification: Benign. Review status: criteria provided, single submitter. Criteria: ACMG Guidelines, 2015. Collection method: clinical testing. Allele origin: germline.

OMIM
Classification: Pathogenic for ICHTHYOSIS, CONGENITAL, AUTOSOMAL RECESSIVE 4B. Last evaluated: 2005-05-01. Review status: no assertion criteria provided. Collection method: literature only. Allele origin: germline. Not counted in ClinVar's aggregate classification.

Literature cited by the submitters: PubMed 15756637 (cited by OMIM).